The following is an entry in ClinVar:

NM_007294.4(BRCA1):c.2750T>G (p.Ile917Ser)

Gene: BRCA1 (BRCA1 DNA repair associated; minus strand). Cytogenetic location: 17q21.31.
Variant type: single nucleotide variant.
Coding change: c.2750T>G on transcript NM_007294.4 (MANE Select); coding-DNA position 2750, T replaced by G.
Protein change: p.Ile917Ser; replaces isoleucine 917 with serine.
Molecular consequence: missense variant. On other transcripts: intron variant (137).
Genome position (GRCh38, 1-based): chr17:43,092,781, A>C on the plus strand (T>G on the coding strand, the complement: BRCA1 is on the minus strand). VCF-style: chr17-43092781-A-C. GRCh37 (hg19) VCF-style: chr17-41244798-A-C.
Other names: c.2669T>G, p.Ile890Ser (NM_001407662.1, NM_001407659.1, NM_001407660.1 and 1 more transcripts); c.2672T>G, p.Ile891Ser (NM_001407663.1, NM_001407653.1, NM_001407654.1 and 4 more transcripts); c.647-1749T>G (NM_001408453.1, NM_001408461.1, NM_001408458.1 and 11 more transcripts); c.665-1749T>G (NM_001408436.1, NM_001408444.1, NM_001408438.1 and 12 more transcripts); c.788-1749T>G (NM_001407976.1, NM_001407980.1, NM_001407993.1 and 17 more transcripts); c.2627T>G, p.Ile876Ser (NM_001407668.1, NM_001407669.1, NM_001407665.1 and 19 more transcripts); c.2624T>G, p.Ile875Ser (NM_001407670.1, NM_001407649.1, NM_001407671.1 and 11 more transcripts); c.785-1749T>G (NM_001408397.1, NM_001408401.1, NM_001408396.1 and 13 more transcripts); and 41 more; short protein forms I917S, I870S, I621S, I806S, I849S, I869S, I891S, I914S.
Identifiers: ClinVar variation 216658 (VCV000216658.12), dbSNP rs587781492, ClinGen allele CA336403.

ClinVar aggregate classification (germline): Conflicting classifications of pathogenicity. Review status: criteria provided, conflicting classifications (1 of 4 stars). 2 submissions from 2 submitters: Uncertain significance (1); Likely benign (1). Last evaluated 2024-12-09.

Conditions:
Hereditary cancer-predisposing syndrome. Also called: Hereditary Cancer Syndrome; Hereditary neoplastic syndrome; Neoplastic Syndromes, Hereditary; Tumor predisposition. Identifiers: Orphanet 140162, MedGen C0027672, MeSH D009386, MONDO:0015356.
Hereditary breast ovarian cancer syndrome. Also called: Hereditary breast and/or ovarian cancer syndrome; Breast and ovarian cancer; BRCA1- and BRCA2-Associated Hereditary Breast and Ovarian Cancer; Hereditary breast and ovarian cancer syndrome; Hereditary breast and ovarian cancer syndrome (HBOC); Hereditary breast and ovarian cancer. Identifiers: Orphanet 145, MedGen C0677776, MeSH D061325, MONDO:0003582. Disease mechanism: loss of function.

gnomAD v4.1: 1 of 1,614,052 alleles (0.000062%); highest among the groups gnomAD compares: Non-Finnish European, 0.000085%; no homozygotes.

Submissions (2):

Labcorp Genetics (formerly Invitae), Labcorp
Classification: Uncertain significance for Hereditary breast ovarian cancer syndrome. Last evaluated: 2024-12-09. Review status: criteria provided, single submitter. Criteria: Invitae Variant Classification Sherloc (09022015). Collection method: clinical testing. Allele origin: germline.
Comment: This sequence change replaces isoleucine, which is neutral and non-polar, with serine, which is neutral and polar, at codon 917 of the BRCA1 protein (p.Ile917Ser). This variant is not present in population databases (gnomAD no frequency). This variant has not been reported in the literature in individuals affected with BRCA1-related conditions. ClinVar contains an entry for this variant (Variation ID: 216658). Invitae Evidence Modeling of protein sequence and biophysical properties (such as structural, functional, and spatial information, amino acid conservation, physicochemical variation, residue mobility, and thermodynamic stability) indicates that this missense variant is not expected to disrupt BRCA1 protein function with a negative predictive value of 80%. In summary, the available evidence is currently insufficient to determine the role of this variant in disease. Therefore, it has been classified as a Variant of Uncertain Significance.

University of Washington Department of Laboratory Medicine, University of Washington
Classification: Likely benign for Hereditary cancer-predisposing syndrome. Last evaluated: 2023-03-23. Review status: criteria provided, single submitter. Criteria: Dines et al. (Genet Med. 2020). Collection method: curation. Allele origin: germline.
Comment: Missense variant in a coldspot region where missense variants are very unlikely to be pathogenic (PMID:31911673).

BRCA1 coldspot (exon 11 using historical exon numbering). Reclassification based on statistical prior probability